The following is an entry in ClinVar:

ClinVar aggregate classification (germline): Pathogenic (1 of 4 stars; one submission).

Submission:

Labcorp Genetics (formerly Invitae), Labcorp
Classification: Pathogenic. Last evaluated: 2023-03-24. Review status: criteria provided, single submitter. Criteria: Invitae Variant Classification Sherloc (09022015). Collection method: clinical testing. Allele origin: germline.
Comment: This variant has not been reported in the literature in individuals affected with AAAS-related conditions. This sequence change creates a premature translational stop signal (p.Trp319*) in the AAAS gene. It is expected to result in an absent or disrupted protein product. Loss-of-function variants in AAAS are known to be pathogenic (PMID: 11159947). This variant is not present in population databases (gnomAD no frequency). Algorithms developed to predict the effect of sequence changes on RNA splicing suggest that this variant may disrupt the consensus splice site. For these reasons, this variant has been classified as Pathogenic.

Literature cited by the submitters: PubMed 11159947.

NM_015665.6(AAAS):c.956G>A (p.Trp319Ter)

Gene: AAAS (aladin WD repeat nucleoporin; minus strand). Cytogenetic location: 12q13.13.
Variant type: single nucleotide variant.
Coding change: c.956G>A on transcript NM_015665.6 (MANE Select); coding-DNA position 956, G replaced by A.
Protein change: p.Trp319Ter; replaces tryptophan 319 with a stop codon.
Molecular consequence: nonsense.
Genome position (GRCh38, 1-based): chr12:53,309,000, C>T on the plus strand (G>A on the coding strand, the complement: AAAS is on the minus strand). VCF-style: chr12-53309000-C-T. GRCh37 (hg19) VCF-style: chr12-53702784-C-T.
Other names: c.857G>A, p.Trp286Ter (NM_001173466.2); short protein forms W319*, W286*.
Identifiers: ClinVar variation 2849040 (VCV002849040.3), dbSNP rs2498608345, ClinGen allele CA385041345.